The following is an entry in ClinVar:

ClinVar aggregate classification (germline): Uncertain significance. Review status: criteria provided, multiple submitters, no conflicts (2 of 4 stars). 3 submissions from 3 submitters: Uncertain significance (3). Last evaluated 2024-08-06.

Conditions:
Hereditary cancer-predisposing syndrome. Also called: Neoplastic Syndromes, Hereditary; Tumor predisposition; Hereditary neoplastic syndrome; Hereditary Cancer Syndrome. Identifiers: Orphanet 140162, MedGen C0027672, MeSH D009386, MONDO:0015356.
Retinoblastoma (RB1). Also called: RETINOBLASTOMA, SOMATIC. Identifiers: Orphanet 790, MedGen C0035335, MeSH D012175, MONDO:0008380, OMIM 180200, HP:0009919. Disease mechanism: loss of function. Inheritance: Both sporadic and heritable forms are tested..

Allele frequency attached by ClinVar (database versions not stated): gnomAD exomes below 0.00001.
gnomAD v4.1: 1 of 1,565,668 alleles (0.000064%); highest among the groups gnomAD compares: Non-Finnish European, 0.000087%; no homozygotes.

Submissions (3):

All of Us Research Program, National Institutes of Health
Classification: Uncertain significance for Retinoblastoma. Last evaluated: 2024-08-06. Review status: criteria provided, single submitter. Criteria: ACMG Guidelines, 2015. Collection method: clinical testing. Allele origin: germline. Inheritance: Autosomal dominant inheritance. Observed: 1 variant allele, 1 heterozygote.
Comment: This missense variant replaces proline with threonine at codon 298 of the RB1 protein. Computational prediction suggests that this variant may not impact protein structure and function (internally defined REVEL score threshold <= 0.5, PMID: 27666373). To our knowledge, functional studies have not been reported for this variant. This variant has not been reported in individuals affected with hereditary cancer in the literature. This variant has not been identified in the general population by the Genome Aggregation Database (gnomAD). The available evidence is insufficient to determine the role of this variant in disease conclusively. Therefore, this variant is classified as a Variant of Uncertain Significance.

This study involves interpretation of variants in research participants for the purpose of population health screening. Participant phenotype was not available at the time of variant classification. Additional details can be found in publication PMID: 35346344, PMCID: PMC8962531

Ambry Genetics
Classification: Uncertain significance for Hereditary cancer-predisposing syndrome. Last evaluated: 2024-07-12. Review status: criteria provided, single submitter. Criteria: Ambry Variant Classification Scheme 2023. Collection method: clinical testing. Allele origin: germline.
Comment: The p.P298T variant (also known as c.892C>A), located in coding exon 9 of the RB1 gene, results from a C to A substitution at nucleotide position 892. The proline at codon 298 is replaced by threonine, an amino acid with highly similar properties. This amino acid position is highly conserved in available vertebrate species. In addition, the in silico prediction for this alteration is inconclusive. Based on the available evidence, the clinical significance of this variant remains unclear.

Labcorp Genetics (formerly Invitae), Labcorp
Classification: Uncertain significance for Retinoblastoma. Last evaluated: 2024-06-24. Review status: criteria provided, single submitter. Criteria: Invitae Variant Classification Sherloc (09022015). Collection method: clinical testing. Allele origin: germline.
Comment: This sequence change replaces proline, which is neutral and non-polar, with threonine, which is neutral and polar, at codon 298 of the RB1 protein (p.Pro298Thr). This variant is not present in population databases (gnomAD no frequency). This variant has not been reported in the literature in individuals affected with RB1-related conditions. ClinVar contains an entry for this variant (Variation ID: 1369764). Advanced modeling of protein sequence and biophysical properties (such as structural, functional, and spatial information, amino acid conservation, physicochemical variation, residue mobility, and thermodynamic stability) performed at Invitae indicates that this missense variant is not expected to disrupt RB1 protein function with a negative predictive value of 80%. In summary, the available evidence is currently insufficient to determine the role of this variant in disease. Therefore, it has been classified as a Variant of Uncertain Significance.

NM_000321.3(RB1):c.892C>A (p.Pro298Thr)

Gene: RB1 (RB transcriptional corepressor 1; plus strand). Cytogenetic location: 13q14.2.
Variant type: single nucleotide variant.
Coding change: c.892C>A on transcript NM_000321.3 (MANE Select); coding-DNA position 892, C replaced by A.
Protein change: p.Pro298Thr; replaces proline 298 with threonine.
Molecular consequence: missense variant.
Genome position (GRCh38, 1-based): chr13:48,364,924, C>A. VCF-style: chr13-48364924-C-A. GRCh37 (hg19) VCF-style: chr13-48939060-C-A.
Other names: c.892C>A (NM_000321.2); short protein forms P298T.
Identifiers: ClinVar variation 1369764 (VCV001369764.8), dbSNP rs2138116427, ClinGen allele CA388159944.